The following is an entry in ClinVar:

ClinVar aggregate classification (germline): Pathogenic (1 of 4 stars; one submission).

Conditions:
Hereditary cancer-predisposing syndrome. Also called: Neoplastic Syndromes, Hereditary; Tumor predisposition; Hereditary Cancer Syndrome; Hereditary neoplastic syndrome. Identifiers: Orphanet 140162, MedGen C0027672, MeSH D009386, MONDO:0015356.

Submission:

Ambry Genetics
Classification: Pathogenic for Hereditary cancer-predisposing syndrome. Last evaluated: 2025-12-05. Review status: criteria provided, single submitter. Criteria: Ambry Variant Classification Scheme 2023. Collection method: clinical testing. Allele origin: germline.
Comment: The c.138_139dupGA pathogenic mutation, located in coding exon 1 of the CDKN1B gene, results from a duplication of GA at nucleotide position 138, causing a translational frameshift with a predicted alternate stop codon (p.K47Rfs*25). This variant is considered to be rare based on population cohorts in the Genome Aggregation Database (gnomAD). This alteration is expected to result in loss of function by premature protein truncation or nonsense-mediated mRNA decay. As such, this alteration is interpreted as a disease-causing mutation.

NM_004064.5(CDKN1B):c.138_139dup (p.Lys47fs)

Gene: CDKN1B (cyclin dependent kinase inhibitor 1B; plus strand). Cytogenetic location: 12p13.1.
Variant type: Microsatellite.
Coding change: c.138_139dup on transcript NM_004064.5 (MANE Select); coding-DNA positions 138 to 139, 2 bases duplicated (GA; older notation c.138_139dupGA).
Protein change: p.Lys47fs; shifts the reading frame from lysine 47.
Molecular consequence: frameshift variant.
Genome position (GRCh38, 1-based): chr12:12,717,977-12,717,978, GA duplicated; duplicating any 2 consecutive bases within chr12:12,717,975-12,717,978 gives the same sequence; the c. name uses the placement nearest the transcript's 3' end. VCF-style (leftmost placement, unchanged base first): chr12-12717974-G-GGA. GRCh37 (hg19) VCF-style: chr12-12870908-G-GGA.
Other names: short protein forms K47fs.
Identifiers: ClinVar variation 4633518 (VCV004633518.1).